The following is an entry in ClinVar:

ClinVar aggregate classification (germline): Uncertain significance. Review status: criteria provided, multiple submitters, no conflicts (2 of 4 stars). 2 submissions from 2 submitters: Uncertain significance (2). Last evaluated 2023-09-23.

Conditions:
Neurofibromatosis, type 1 (NF1). Also called: Neurofibromatosis, type I; VON RECKLINGHAUSEN DISEASE; Peripheral type neurofibromatosis; NEUROFIBROMATOSIS, TYPE I, SOMATIC. Identifiers: Orphanet 636, MedGen C0027831, MONDO:0018975, OMIM 162200. Disease mechanism: loss of function.
Hereditary cancer-predisposing syndrome. Also called: Tumor predisposition; Hereditary Cancer Syndrome; Neoplastic Syndromes, Hereditary; Hereditary neoplastic syndrome. Identifiers: Orphanet 140162, MedGen C0027672, MeSH D009386, MONDO:0015356.
Cardiovascular phenotype. Identifiers: MedGen CN230736.

Submissions (2):

Ambry Genetics
Classification: Uncertain significance for Cardiovascular phenotype; Hereditary cancer-predisposing syndrome. Last evaluated: 2023-09-23. Review status: criteria provided, single submitter. Criteria: Ambry Variant Classification Scheme 2023. Collection method: clinical testing. Allele origin: germline.
Comment: The p.A1998P variant (also known as c.5992G>C), located in coding exon 40 of the NF1 gene, results from a G to C substitution at nucleotide position 5992. The alanine at codon 1998 is replaced by proline, an amino acid with highly similar properties. This alteration was detected in at least one individual with a clinical diagnosis of neurofibromatosis type 1 (Corsello G et al. Ital J Pediatr. 2018 Apr;44:45). This missense alteration is located in a region that has a low rate of benign missense variation (Lek M et al. Nature. 2016 Aug 18;536(7616):285-91; DECIPHER: Database of Chromosomal Imbalance and Phenotype in Humans using Ensembl Resources. Firth H.V. et al. 2009. Am.J.Hum.Genet. 84, 524-533 (DOI)). This amino acid position is highly conserved in available vertebrate species. In addition, this alteration is predicted to be deleterious by in silico analysis. Since supporting evidence is limited at this time, the clinical significance of this alteration remains unclear.

Labcorp Genetics (formerly Invitae), Labcorp
Classification: Uncertain significance for Neurofibromatosis, type 1. Last evaluated: 2019-12-13. Review status: criteria provided, single submitter. Criteria: Invitae Variant Classification Sherloc (09022015). Collection method: clinical testing. Allele origin: germline.
Comment: In summary, the available evidence is currently insufficient to determine the role of this variant in disease. Therefore, it has been classified as a Variant of Uncertain Significance. Algorithms developed to predict the effect of missense changes on protein structure and function are either unavailable or do not agree on the potential impact of this missense change (SIFT: "Tolerated"; PolyPhen-2: "Probably Damaging"; Align-GVGD: "Class C0"). This variant has been observed in individual(s) with NF1 (PMID: 29618358). This variant is not present in population databases (ExAC no frequency). This sequence change replaces alanine with proline at codon 1998 of the NF1 protein (p.Ala1998Pro). The alanine residue is moderately conserved and there is a small physicochemical difference between alanine and proline.

Literature cited by the submitters: PubMed 29618358 (cited by Labcorp Genetics (formerly Invitae), Labcorp).

NM_001042492.3(NF1):c.6055G>C (p.Ala2019Pro)

Gene: NF1 (neurofibromin 1; plus strand). Cytogenetic location: 17q11.2.
Variant type: single nucleotide variant.
Coding change: c.6055G>C on transcript NM_001042492.3 (MANE Select); coding-DNA position 6055, G replaced by C.
Protein change: p.Ala2019Pro; replaces alanine 2019 with proline.
Molecular consequence: missense variant.
Genome position (GRCh38, 1-based): chr17:31,336,381, G>C. VCF-style: chr17-31336381-G-C. GRCh37 (hg19) VCF-style: chr17-29663399-G-C.
Other names: c.5992G>C, p.Ala1998Pro (NM_000267.4); short protein forms A1998P, A2019P.
Identifiers: ClinVar variation 862931 (VCV000862931.7), dbSNP rs2069669625, ClinGen allele CA399011129.